The following is an entry in ClinVar:

ClinVar aggregate classification (germline): Likely pathogenic (1 of 4 stars; one submission).

Conditions:
Bloom syndrome (BLM). Also called: Bloom-Torre-Machacek syndrome. Identifiers: Orphanet 125, MedGen C0005859, MONDO:0008876, OMIM 210900.

Submission:

Natera, Inc.
Classification: Likely pathogenic for Bloom syndrome. Last evaluated: 2024-11-26. Review status: criteria provided, single submitter. Criteria: Natera Variant Classification Schema (03/2026). Collection method: clinical testing. Allele origin: germline.
Comment: The c.2641_2657delinsCCGATC variant in BLM is a frameshift variant predicted to shift the reading frame beginning at codon 881 and leads to a stop codon 5 codons downstream. This variant is expected to result in nonsense mediated decay, truncation, or a dysfunctional protein product. This variant is rare in the general population with a frequency below the threshold expected for the associated phenotype(s). Given the available evidence, this variant is classified as Likely Pathogenic.

NM_000057.4(BLM):c.2641_2657delinsCCGATC (p.Trp881fs)

Gene: BLM (BLM RecQ like helicase; plus strand). Cytogenetic location: 15q26.1.
Variant type: Indel.
Coding change: c.2641_2657delinsCCGATC on transcript NM_000057.4 (MANE Select); coding-DNA positions 2641 to 2657, TGGATCAGAAAGCACCA replaced by CCGATC.
Protein change: p.Trp881fs; shifts the reading frame from tryptophan 881.
Molecular consequence: frameshift variant.
Genome position (GRCh38, 1-based): chr15:90,782,907-90,782,923, TGGATCAGAAAGCACCA replaced by CCGATC. VCF-style: chr15-90782907-TGGATCAGAAAGCACCA-CCGATC. GRCh37 (hg19) VCF-style: chr15-91326137-TGGATCAGAAAGCACCA-CCGATC.
Other names: c.2641_2657delinsCCGATC, p.Trp881fs (NM_001287246.2, NM_001287247.2); c.1516_1532delinsCCGATC, p.Trp506fs (NM_001287248.2); short protein forms W506fs, W881fs.
Identifiers: ClinVar variation 4815787 (VCV004815787.1).